The following is an entry in ClinVar:

ClinVar aggregate classification (germline): Pathogenic (1 of 4 stars; one submission).

Conditions:
Intellectual developmental disorder with autistic features and language delay, with or without seizures. Identifiers: MedGen C5394447, MONDO:0030051, OMIM 618906.

Submission:

Institute of Human Genetics, University of Leipzig Medical Center
Classification: Pathogenic for Intellectual developmental disorder with autistic features and language delay, with or without seizures. Last evaluated: 2024-07-04. Review status: criteria provided, single submitter. Criteria: ACMG Guidelines, 2015. Collection method: clinical testing. Allele origin: de novo. Inheritance: Autosomal dominant inheritance. Affected: yes.
Comment: Criteria applied: PVS1,PM2,PS2_MOD

NM_001394998.1(TANC2):c.1938G>A (p.Trp646Ter)

Gene: TANC2 (tetratricopeptide repeat, ankyrin repeat and coiled-coil containing 2; plus strand). Cytogenetic location: 17q23.3.
Variant type: single nucleotide variant.
Coding change: c.1938G>A on transcript NM_001394998.1 (MANE Select); coding-DNA position 1938, G replaced by A.
Protein change: p.Trp646Ter; replaces tryptophan 646 with a stop codon.
Molecular consequence: nonsense.
Genome position (GRCh38, 1-based): chr17:63,351,380, G>A. VCF-style: chr17-63351380-G-A. GRCh37 (hg19) VCF-style: chr17-61428741-G-A.
Other names: c.1716G>A, p.Trp572Ter (NM_001411076.1, NM_025185.4); short protein forms W572*, W646*.
Identifiers: ClinVar variation 3359000 (VCV003359000.4).